The following is an entry in ClinVar:

NM_002049.4(GATA1):c.595T>C (p.Cys199Arg)

Gene: GATA1 (GATA binding protein 1; plus strand). Cytogenetic location: Xp11.23.
Variant type: single nucleotide variant.
Coding change: c.595T>C on transcript NM_002049.4 (MANE Select); coding-DNA position 595, T replaced by C.
Protein change: p.Cys199Arg; replaces cysteine 199 with arginine.
Molecular consequence: missense variant.
Genome position (GRCh38, 1-based): chrX:48,792,218, T>C. VCF-style: chrX-48792218-T-C. GRCh37 (hg19) VCF-style: chrX-48650625-T-C.
Other names: short protein forms C199R.
Identifiers: ClinVar variation 1043476 (VCV001043476.7), dbSNP rs782750237, ClinGen allele CA412870175.

ClinVar aggregate classification (germline): Uncertain significance (1 of 4 stars; one submission).

Conditions:
Diamond-Blackfan anemia. Also called: Blackfan Diamond syndrome; Aregenerative anemia chronic congenital; Red cell aplasia, pure hereditary; Congenital hypoplastic anemia; Aase syndrome. Identifiers: Orphanet 124, MedGen C1260899, MeSH D029503, MONDO:0015253, HP:0004810.
GATA binding protein 1 related thrombocytopenia with dyserythropoiesis. Also called: GATA1-Related X-Linked Cytopenia; GATA1-Related Cytopenia. Identifiers: MedGen C1845837, MONDO:0100089.

Submission:

Labcorp Genetics (formerly Invitae), Labcorp
Classification: Uncertain significance for GATA binding protein 1 related thrombocytopenia with dyserythropoiesis; Diamond-Blackfan anemia. Last evaluated: 2021-10-09. Review status: criteria provided, single submitter. Criteria: Invitae Variant Classification Sherloc (09022015). Collection method: clinical testing. Allele origin: germline.
Comment: In summary, the available evidence is currently insufficient to determine the role of this variant in disease. Therefore, it has been classified as a Variant of Uncertain Significance. Algorithms developed to predict the effect of missense changes on protein structure and function (SIFT, PolyPhen-2, Align-GVGD) all suggest that this variant is likely to be tolerated. This variant has not been reported in the literature in individuals affected with GATA1-related conditions. This variant is not present in population databases (ExAC no frequency). This sequence change replaces cysteine with arginine at codon 199 of the GATA1 protein (p.Cys199Arg). The cysteine residue is weakly conserved and there is a large physicochemical difference between cysteine and arginine.